The following is an entry in ClinVar:

NM_001330588.2(TPP2):c.3025C>A (p.Pro1009Thr)

Gene: TPP2 (tripeptidyl peptidase 2; plus strand). Cytogenetic location: 13q33.1.
Variant type: single nucleotide variant.
Coding change: c.3025C>A on transcript NM_001330588.2 (MANE Select); coding-DNA position 3025, C replaced by A.
Protein change: p.Pro1009Thr; replaces proline 1009 with threonine.
Molecular consequence: missense variant. On other transcripts: non-coding transcript variant (1).
Genome position (GRCh38, 1-based): chr13:102,657,089, C>A. VCF-style: chr13-102657089-C-A. GRCh37 (hg19) VCF-style: chr13-103309439-C-A.
Other names: c.2986C>A, p.Pro996Thr (NM_001367947.1, NM_003291.4); c.2986C>A (NM_003291.2); short protein forms P1009T, P996T.
Identifiers: ClinVar variation 1520856 (VCV001520856.9), dbSNP rs746076087, ClinGen allele CA388503805.

ClinVar aggregate classification (germline): Uncertain significance. Review status: criteria provided, multiple submitters, no conflicts (2 of 4 stars). 2 submissions from 2 submitters: Uncertain significance (2). Last evaluated 2024-07-02.

Conditions:
Inborn genetic diseases. Identifiers: MedGen C0950123, MeSH D030342.
Evans syndrome, immunodeficiency, and premature immunosenescence associated with tripeptidyl-peptidase II deficiency. Identifiers: MedGen CN231723. Disease mechanism: loss of function.

gnomAD v4.1: 2 of 1,589,258 alleles (0.00013%); highest among the groups gnomAD compares: Non-Finnish European, 0.00017%; no homozygotes.

Submissions (2):

Ambry Genetics
Classification: Uncertain significance for Inborn genetic diseases. Last evaluated: 2024-07-02. Review status: criteria provided, single submitter. Criteria: Ambry Variant Classification Scheme 2023. Collection method: clinical testing. Allele origin: germline.

Labcorp Genetics (formerly Invitae), Labcorp
Classification: Uncertain significance for Evans syndrome, immunodeficiency, and premature immunosenescence associated with tripeptidyl-peptidase II deficiency. Last evaluated: 2021-04-08. Review status: criteria provided, single submitter. Criteria: Invitae Variant Classification Sherloc (09022015). Collection method: clinical testing. Allele origin: germline.
Comment: In summary, the available evidence is currently insufficient to determine the role of this variant in disease. Therefore, it has been classified as a Variant of Uncertain Significance. Algorithms developed to predict the effect of missense changes on protein structure and function (SIFT, PolyPhen-2, Align-GVGD) all suggest that this variant is likely to be tolerated, but these predictions have not been confirmed by published functional studies and their clinical significance is uncertain. This variant has not been reported in the literature in individuals with TPP2-related conditions. This variant is not present in population databases (ExAC no frequency). This sequence change replaces proline with threonine at codon 996 of the TPP2 protein (p.Pro996Thr). The proline residue is moderately conserved and there is a small physicochemical difference between proline and threonine.